The following is an entry in ClinVar:

ClinVar aggregate classification (germline): Pathogenic. Review status: criteria provided, multiple submitters, no conflicts (2 of 4 stars). 4 submissions from 4 submitters: Pathogenic (3). 1 of the submissions does not count toward it. Last evaluated 2025-01-14.

Conditions:
Pituitary hormone deficiency, combined, 2. Also called: PROP1-Related Combined Pituitary Hormone Deficiency; PITUITARY DWARFISM III; ATELIOTIC DWARFISM WITH HYPOGONADISM; HANHART DWARFISM. Identifiers: MedGen C0878683, MONDO:0009878, OMIM 262600.

Allele frequency attached by ClinVar (database versions not stated): gnomAD 0.00001; ExAC 0.00002; gnomAD exomes 0.00001; TOPMed below 0.00001.
gnomAD v4.1: 12 of 1,613,928 alleles (0.00074%); highest among the groups gnomAD compares: East Asian, 0.0022%; no homozygotes.

Submissions (4):

Natera, Inc.
Classification: Pathogenic for Combined pituitary hormone deficiency type 2. Last evaluated: 2025-01-14. Review status: criteria provided, single submitter. Criteria: Natera Variant Classification Schema (03/2026). Collection method: clinical testing. Allele origin: germline.
Comment: The c.218G>A variant in PROP1 is a missense variant predicted to cause substitution of arginine to histidine at amino acid 73. This variant is rare in the general population with a frequency below the threshold expected for the associated phenotype(s). This variant has been observed in one or more individuals affected with the associated recessive disease, as either homozygous or compound heterozygous with a second variant (PMID: 15126542, 12859410, 11549703, 37948564). Additionally, this variant has been observed to segregate in affected family members (PMID: 12859410). A different variant at the same position has been determined to be Pathogenic or Likely Pathogenic. Computational prediction algorithms indicate this variant is likely to affect gene or protein function. Given the available evidence, this variant is classified as Pathogenic.

Labcorp Genetics (formerly Invitae), Labcorp
Classification: Pathogenic. Last evaluated: 2024-02-18. Review status: criteria provided, single submitter. Criteria: Invitae Variant Classification Sherloc (09022015). Collection method: clinical testing. Allele origin: germline.
Comment: This sequence change replaces arginine, which is basic and polar, with histidine, which is basic and polar, at codon 73 of the PROP1 protein (p.Arg73His). This variant is present in population databases (rs121917842, gnomAD 0.003%). This missense change has been observed in individual(s) with combined pituitary hormone deficiency (PMID: 11549703, 12859410, 23624138, 28734020). In at least one individual the data is consistent with being in trans (on the opposite chromosome) from a pathogenic variant. It has also been observed to segregate with disease in related individuals. This variant is also known as Arg71His. ClinVar contains an entry for this variant (Variation ID: 8103). Advanced modeling of protein sequence and biophysical properties (such as structural, functional, and spatial information, amino acid conservation, physicochemical variation, residue mobility, and thermodynamic stability) has been performed at Invitae for this missense variant, however the output from this modeling did not meet the statistical confidence thresholds required to predict the impact of this variant on PROP1 protein function. This variant disrupts the p.Arg73 amino acid residue in PROP1. Other variant(s) that disrupt this residue have been determined to be pathogenic (PMID: 9824293, 15531542, 25557026). This suggests that this residue is clinically significant, and that variants that disrupt this residue are likely to be disease-causing. For these reasons, this variant has been classified as Pathogenic.

Revvity Omics, Revvity
Classification: Pathogenic for Pituitary hormone deficiency, combined, 2. Last evaluated: 2023-03-07. Review status: criteria provided, single submitter. Criteria: ACMG Guidelines, 2015. Collection method: clinical testing. Allele origin: germline.

OMIM
Classification: Pathogenic for PITUITARY HORMONE DEFICIENCY, COMBINED, 2. Last evaluated: 2001-09-01. Review status: no assertion criteria provided. Collection method: literature only. Allele origin: germline. Not counted in ClinVar's aggregate classification.

Literature cited by the submitters: PubMed 15126542 (cited by Natera, Inc.); PubMed 12859410 (cited by Natera, Inc. and Labcorp Genetics (formerly Invitae), Labcorp); PubMed 11549703 (cited by 3 submitters); PubMed 37948564 (cited by Natera, Inc.); PubMed 23624138 (cited by Labcorp Genetics (formerly Invitae), Labcorp); PubMed 28734020 (cited by Labcorp Genetics (formerly Invitae), Labcorp); PubMed 9824293 (cited by Labcorp Genetics (formerly Invitae), Labcorp); PubMed 15531542 (cited by Labcorp Genetics (formerly Invitae), Labcorp); PubMed 25557026 (cited by Labcorp Genetics (formerly Invitae), Labcorp).

NM_006261.5(PROP1):c.218G>A (p.Arg73His)

Gene: PROP1 (PROP paired-like homeobox 1; minus strand). Cytogenetic location: 5q35.3.
Variant type: single nucleotide variant.
Coding change: c.218G>A on transcript NM_006261.5 (MANE Select); coding-DNA position 218, G replaced by A.
Protein change: p.Arg73His; replaces arginine 73 with histidine.
Molecular consequence: missense variant.
Genome position (GRCh38, 1-based): chr5:177,994,230, C>T on the plus strand (G>A on the coding strand, the complement: PROP1 is on the minus strand). VCF-style: chr5-177994230-C-T. GRCh37 (hg19) VCF-style: chr5-177421231-C-T.
Other names: c.218G>A (NM_006261.4); short protein forms R73H.
Identifiers: ClinVar variation 8103 (VCV000008103.16), dbSNP rs121917842, ClinGen allele CA340731.